The following is an entry in ClinVar:

ClinVar aggregate classification (germline): Uncertain significance (1 of 4 stars; one submission).

Conditions:
Long QT syndrome (LQTS). Identifiers: MedGen C0023976, MeSH D008133, MONDO:0002442. Disease mechanism: loss of function. Inheritance: Various modes of inheritance.

Submission:

Labcorp Genetics (formerly Invitae), Labcorp
Classification: Uncertain significance for Long QT syndrome. Last evaluated: 2022-11-30. Review status: criteria provided, single submitter. Criteria: Invitae Variant Classification Sherloc (09022015). Collection method: clinical testing. Allele origin: germline.
Comment: In summary, the available evidence is currently insufficient to determine the role of this variant in disease. Therefore, it has been classified as a Variant of Uncertain Significance. Advanced modeling of protein sequence and biophysical properties (such as structural, functional, and spatial information, amino acid conservation, physicochemical variation, residue mobility, and thermodynamic stability) has been performed at Invitae for this missense variant, however the output from this modeling did not meet the statistical confidence thresholds required to predict the impact of this variant on CACNA1C protein function. This variant has not been reported in the literature in individuals affected with CACNA1C-related conditions. This variant is not present in population databases (gnomAD no frequency). This sequence change replaces valine, which is neutral and non-polar, with isoleucine, which is neutral and non-polar, at codon 521 of the CACNA1C protein (p.Val521Ile).

NM_000719.7(CACNA1C):c.1561G>A (p.Val521Ile)

Gene: CACNA1C (calcium voltage-gated channel subunit alpha1 C; plus strand). Cytogenetic location: 12p13.33.
Variant type: single nucleotide variant.
Coding change: c.1561G>A on transcript NM_000719.7 (MANE Select); coding-DNA position 1561, G replaced by A.
Protein change: p.Val521Ile; replaces valine 521 with isoleucine.
Molecular consequence: missense variant.
Genome position (GRCh38, 1-based): chr12:2,566,474, G>A. VCF-style: chr12-2566474-G-A. GRCh37 (hg19) VCF-style: chr12-2675640-G-A.
Other names: c.1561G>A, p.Val521Ile (NM_001129834.2, NM_001129835.2, NM_001129836.2 and 18 more transcripts); c.1552G>A, p.Val518Ile (NM_001129844.2); short protein forms V518I, V521I.
Identifiers: ClinVar variation 2816241 (VCV002816241.3), dbSNP rs2512762596, ClinGen allele CA383368491.